The following is an entry in ClinVar:

NM_001292063.2(OTOG):c.4448del (p.Pro1483fs)

Gene: OTOG (otogelin; plus strand). Cytogenetic location: 11p15.1.
Variant type: Deletion.
Coding change: c.4448del on transcript NM_001292063.2 (MANE Select); coding-DNA position 4448, one base deleted (C; older notation c.4448delC).
Protein change: p.Pro1483fs; shifts the reading frame from proline 1483.
Molecular consequence: frameshift variant.
Genome position (GRCh38, 1-based): chr11:17,609,748, C deleted; the last of 2 consecutive C bases (chr11:17,609,747-17,609,748); deleting either gives the same sequence. VCF-style (leftmost placement, unchanged base first): chr11-17609746-GC-G. GRCh37 (hg19) VCF-style: chr11-17631293-GC-G.
Other names: c.4484del, p.Pro1495fs (NM_001277269.2); short protein forms P1495fs, P1483fs.
Identifiers: ClinVar variation 3660975 (VCV003660975.2).

ClinVar aggregate classification (germline): Pathogenic (1 of 4 stars; one submission).

Submission:

Labcorp Genetics (formerly Invitae), Labcorp
Classification: Pathogenic. Last evaluated: 2024-08-14. Review status: criteria provided, single submitter. Criteria: Invitae Variant Classification Sherloc (09022015). Collection method: clinical testing. Allele origin: germline.
Comment: This sequence change creates a premature translational stop signal (p.Pro1495Hisfs*27) in the OTOG gene. It is expected to result in an absent or disrupted protein product. Loss-of-function variants in OTOG are known to be pathogenic (PMID: 23122587). This variant is not present in population databases (gnomAD no frequency). This variant has not been reported in the literature in individuals affected with OTOG-related conditions. For these reasons, this variant has been classified as Pathogenic.

Literature cited by the submitters: PubMed 23122587.